The following is an entry in ClinVar:

ClinVar aggregate classification (germline): Uncertain significance (1 of 4 stars; one submission).

Submission:

Labcorp Genetics (formerly Invitae), Labcorp
Classification: Uncertain significance. Last evaluated: 2025-06-04. Review status: criteria provided, single submitter. Criteria: Invitae Variant Classification Sherloc (09022015). Collection method: clinical testing. Allele origin: germline.
Comment: This sequence change replaces valine, which is neutral and non-polar, with leucine, which is neutral and non-polar, at codon 1177 of the PRPF8 protein (p.Val1177Leu). This variant is not present in population databases (gnomAD no frequency). This variant has not been reported in the literature in individuals affected with PRPF8-related conditions. ClinVar contains an entry for this variant (Variation ID: 3622850). Invitae Evidence Modeling of protein sequence and biophysical properties (such as structural, functional, and spatial information, amino acid conservation, physicochemical variation, residue mobility, and thermodynamic stability) indicates that this missense variant is expected to disrupt PRPF8 protein function with a positive predictive value of 80%. In summary, the available evidence is currently insufficient to determine the role of this variant in disease. Therefore, it has been classified as a Variant of Uncertain Significance.

NM_006445.4(PRPF8):c.3529G>C (p.Val1177Leu)

Gene: PRPF8 (pre-mRNA processing factor 8; minus strand). Cytogenetic location: 17p13.3.
Variant type: single nucleotide variant.
Coding change: c.3529G>C on transcript NM_006445.4 (MANE Select); coding-DNA position 3529, G replaced by C.
Protein change: p.Val1177Leu; replaces valine 1177 with leucine.
Molecular consequence: missense variant.
Genome position (GRCh38, 1-based): chr17:1,673,485, C>G on the plus strand (G>C on the coding strand, the complement: PRPF8 is on the minus strand). VCF-style: chr17-1673485-C-G. GRCh37 (hg19) VCF-style: chr17-1576779-C-G.
Other names: short protein forms V1177L.
Identifiers: ClinVar variation 3622850 (VCV003622850.2).